The following is an entry in ClinVar:

ClinVar aggregate classification (germline): Uncertain significance. Review status: criteria provided, multiple submitters, no conflicts (2 of 4 stars). 2 submissions from 2 submitters: Uncertain significance (2). Last evaluated 2025-08-10.

Conditions:
Intellectual disability, autosomal recessive 42 (NEDDSBA). Also called: Neurodevelopmental disorder with dysmorphic features, spasticity, and brain abnormalities; GLYCOSYLPHOSPHATIDYLINOSITOL BIOSYNTHESIS DEFECT 9. Identifiers: Orphanet 88616, MedGen C4014343, MONDO:0014348, OMIM 615802.
Inborn genetic diseases. Identifiers: MedGen C0950123, MeSH D030342.

Allele frequency attached by ClinVar (database versions not stated): gnomAD exomes 0.00001 and 0.00002; TOPMed 0.00001; ExAC 0.00002; gnomAD 0.00002.
gnomAD v4.1: 24 of 1,586,122 alleles (0.0015%); highest among the groups gnomAD compares: South Asian, 0.0023%; no homozygotes.

Submissions (2):

Ambry Genetics
Classification: Uncertain significance for Inborn genetic diseases. Last evaluated: 2025-08-10. Review status: criteria provided, single submitter. Criteria: Ambry Variant Classification Scheme 2023. Collection method: clinical testing. Allele origin: germline.

Labcorp Genetics (formerly Invitae), Labcorp
Classification: Uncertain significance for Intellectual disability, autosomal recessive 42. Last evaluated: 2021-12-02. Review status: criteria provided, single submitter. Criteria: Invitae Variant Classification Sherloc (09022015). Collection method: clinical testing. Allele origin: germline.
Comment: Algorithms developed to predict the effect of missense changes on protein structure and function output the following: SIFT: "Tolerated"; PolyPhen-2: "Benign"; Align-GVGD: "Class C0". The valine amino acid residue is found in multiple mammalian species, which suggests that this missense change does not adversely affect protein function. This variant has not been reported in the literature in individuals affected with PGAP1-related conditions. This variant is present in population databases (rs771720370, gnomAD 0.003%). This sequence change replaces methionine, which is neutral and non-polar, with valine, which is neutral and non-polar, at codon 863 of the PGAP1 protein (p.Met863Val). In summary, the available evidence is currently insufficient to determine the role of this variant in disease. Therefore, it has been classified as a Variant of Uncertain Significance.

NM_024989.4(PGAP1):c.2587A>G (p.Met863Val)

Gene: PGAP1 (post-GPI attachment to proteins inositol deacylase 1; minus strand). Cytogenetic location: 2q33.1.
Variant type: single nucleotide variant.
Coding change: c.2587A>G on transcript NM_024989.4 (MANE Select); coding-DNA position 2587, A replaced by G.
Protein change: p.Met863Val; replaces methionine 863 with valine.
Molecular consequence: missense variant.
Genome position (GRCh38, 1-based): chr2:196,842,764, T>C on the plus strand (A>G on the coding strand, the complement: PGAP1 is on the minus strand). VCF-style: chr2-196842764-T-C. GRCh37 (hg19) VCF-style: chr2-197707488-T-C.
Other names: c.2587A>G (NM_024989.3); c.2065A>G, p.Met689Val (NM_001321099.2); c.1420A>G, p.Met474Val (NM_001321100.2); short protein forms M689V, M474V, M863V.
Identifiers: ClinVar variation 1449914 (VCV001449914.8), dbSNP rs771720370, ClinGen allele CA2040591.
Genomic context (GRCh38, chr2:196,842,764, plus strand): 5'-AGATTAAACTACTGTACCTTGATTTTATTGAAACAGTGTAAGTATTTCCAAGAATTGCCA[T>C]AGTCGGAATAAGGATAAATGCCAAAGGTTTACATGGATCAGGATTAAGTTTAAAATAATA-3'
Protein context (NP_079265.2, residues 853-873): KPLAFILIPT[Met863Val]AILGNTYTVS